The following is an entry in ClinVar:

ClinVar aggregate classification (germline): Uncertain significance. Review status: criteria provided, multiple submitters, no conflicts (2 of 4 stars). 2 submissions from 2 submitters: Uncertain significance (2). Last evaluated 2023-09-27.

Allele frequency attached by ClinVar (database versions not stated): gnomAD exomes 0.00002 and 0.00004; TOPMed 0.00002; ExAC 0.00003.

Submissions (2):

GeneDx
Classification: Uncertain significance. Last evaluated: 2023-09-27. Review status: criteria provided, single submitter. Criteria: GeneDx Variant Classification Process June 2021. Collection method: clinical testing. Allele origin: germline. Affected: yes.
Comment: In silico analysis supports that this missense variant has a deleterious effect on protein structure/function; Has not been previously published as pathogenic or benign to our knowledge

Labcorp Genetics (formerly Invitae), Labcorp
Classification: Uncertain significance. Last evaluated: 2022-10-13. Review status: criteria provided, single submitter. Criteria: Invitae Variant Classification Sherloc (09022015). Collection method: clinical testing. Allele origin: germline.
Comment: This sequence change replaces isoleucine, which is neutral and non-polar, with phenylalanine, which is neutral and non-polar, at codon 172 of the CABP2 protein (p.Ile172Phe). This variant is present in population databases (rs780225393, gnomAD 0.03%). This variant has not been reported in the literature in individuals affected with CABP2-related conditions. ClinVar contains an entry for this variant (Variation ID: 1485856). Algorithms developed to predict the effect of missense changes on protein structure and function are either unavailable or do not agree on the potential impact of this missense change (SIFT: "Deleterious"; PolyPhen-2: "Probably Damaging"; Align-GVGD: "Class C0"). In summary, the available evidence is currently insufficient to determine the role of this variant in disease. Therefore, it has been classified as a Variant of Uncertain Significance.

NM_016366.3(CABP2):c.514A>T (p.Ile172Phe)

Gene: CABP2 (calcium binding protein 2; minus strand). Cytogenetic location: 11q13.2.
Variant type: single nucleotide variant.
Coding change: c.514A>T on transcript NM_016366.3 (MANE Select); coding-DNA position 514, A replaced by T.
Protein change: p.Ile172Phe; replaces isoleucine 172 with phenylalanine.
Molecular consequence: missense variant.
Genome position (GRCh38, 1-based): chr11:67,519,916, T>A on the plus strand (A>T on the coding strand, the complement: CABP2 is on the minus strand). VCF-style: chr11-67519916-T-A. GRCh37 (hg19) VCF-style: chr11-67287387-T-A.
Other names: c.532A>T, p.Ile178Phe (NM_001318496.2); c.514A>T (NM_016366.2); short protein forms I172F, I178F.
Identifiers: ClinVar variation 1485856 (VCV001485856.6), dbSNP rs780225393, ClinGen allele CA6142401.